The following is an entry in ClinVar:

NM_014283.5(SUCO):c.2983A>C (p.Asn995His)

Gene: SUCO (SUN domain containing ossification factor; plus strand). Cytogenetic location: 1q24.3.
Variant type: single nucleotide variant.
Coding change: c.2983A>C on transcript NM_014283.5 (MANE Select); coding-DNA position 2983, A replaced by C.
Protein change: p.Asn995His; replaces asparagine 995 with histidine.
Molecular consequence: missense variant.
Genome position (GRCh38, 1-based): chr1:172,600,133, A>C. VCF-style: chr1-172600133-A-C. GRCh37 (hg19) VCF-style: chr1-172569273-A-C.
Other names: c.1870A>C, p.Asn624His (NM_001282750.2); c.1294A>C, p.Asn432His (NM_001282751.2); c.3436A>C, p.Asn1146His (NM_016227.4); short protein forms N624H, N432H, N1146H, N995H.
Identifiers: ClinVar variation 1462775 (VCV001462775.8), dbSNP rs776616485, ClinGen allele CA343747349.
Genomic context (GRCh38, chr1:172,600,133, plus strand): 5'-CAAACTGAAGCCATCCAGTTGCTACAGGCACAGCTGACCAACATGACACAGCTTGTTTCA[A>C]ATTTATCAGCAACAGTAGCAGAATTGAAACGGGAGGTAATTGTTATTGCTGGTATTGCGA-3'
Protein context (NP_055098.1, residues 985-1005): QLTNMTQLVS[Asn995His]LSATVAELKR

ClinVar aggregate classification (germline): Uncertain significance (1 of 4 stars; one submission).

Submission:

Labcorp Genetics (formerly Invitae), Labcorp
Classification: Uncertain significance. Last evaluated: 2022-02-05. Review status: criteria provided, single submitter. Criteria: Invitae Variant Classification Sherloc (09022015). Collection method: clinical testing. Allele origin: germline.
Comment: In summary, the available evidence is currently insufficient to determine the role of this variant in disease. Therefore, it has been classified as a Variant of Uncertain Significance. Algorithms developed to predict the effect of missense changes on protein structure and function are either unavailable or do not agree on the potential impact of this missense change (SIFT: "Deleterious"; PolyPhen-2: "Probably Damaging"; Align-GVGD: "Class C0"). This variant has not been reported in the literature in individuals affected with SUCO-related conditions. This variant is not present in population databases (gnomAD no frequency). This sequence change replaces asparagine, which is neutral and polar, with histidine, which is basic and polar, at codon 995 of the SUCO protein (p.Asn995His).